The following is an entry in ClinVar:

NM_178857.6(RP1L1):c.4746G>A (p.Arg1582=)

Gene: RP1L1 (RP1 like 1). Cytogenetic location: 8p23.1.
Variant type: single nucleotide variant.
Coding change: c.4746G>A on transcript NM_178857.6 (MANE Select); coding-DNA position 4746, G replaced by A.
Protein change: p.Arg1582=; no amino-acid change (arginine 1582 retained).
Molecular consequence: synonymous variant.
Genome position (GRCh38, 1-based): chr8:10,609,352, C>T on the plus strand (G>A on the coding strand, the complement: RP1L1 is on the minus strand). VCF-style: chr8-10609352-C-T. GRCh37 (hg19) VCF-style: chr8-10466862-C-T.
Identifiers: ClinVar variation 361267 (VCV000361267.8), dbSNP rs754155146, ClinGen allele CA4623905.

ClinVar aggregate classification (germline): Likely benign. Review status: criteria provided, multiple submitters, no conflicts (2 of 4 stars). 3 submissions from 3 submitters: Likely benign (2). 1 of the submissions does not count toward it. Last evaluated 2021-12-23.

Conditions:
RP1L1-related disorder. Also called: RP1L1-related condition.
Occult macular dystrophy (OCMD). Also called: OMD; OCCULT MACULAR DYSTROPHY, SUSCEPTIBILITY TO. Identifiers: Orphanet 247834, MedGen C3150833, MONDO:0013316, OMIM 613587, HP:0030636.

Allele frequency attached by ClinVar (database versions not stated): ExAC 0.00002; gnomAD exomes 0.00002; gnomAD 0.00004; TOPMed 0.00006.
gnomAD v4.1: 34 of 1,612,338 alleles (0.0021%); highest among the groups gnomAD compares: Admixed American, 0.0033%; no homozygotes.

Submissions (3):

Blueprint Genetics
Classification: Likely benign. Last evaluated: 2021-12-23. Review status: criteria provided, single submitter. Criteria: ACMG Guidelines, 2015. Collection method: clinical testing. Allele origin: germline.

Illumina Laboratory Services, Illumina
Classification: Likely benign for Occult macular dystrophy. Last evaluated: 2018-01-12. Review status: criteria provided, single submitter. Criteria: ICSL Variant Classification Criteria 13 December 2019. Collection method: clinical testing. Allele origin: germline.
Comment: This variant was observed in the ICSL laboratory as part of a predisposition screen in an ostensibly healthy population. It had not been previously curated by ICSL or reported in the Human Gene Mutation Database (HGMD: prior to June 1st, 2018), and was therefore a candidate for classification through an automated scoring system. Utilizing variant allele frequency, disease prevalence and penetrance estimates, and inheritance mode, an automated score was calculated to assess if this variant is too frequent to cause the disease. Based on the score and internal cut-off values, a variant classified as likely benign is not then subjected to further curation. The score for this variant resulted in a classification of likely benign for this disease.

PreventionGenetics, part of Exact Sciences
Classification: Likely benign for RP1L1-related condition. Last evaluated: 2020-01-06. Review status: no assertion criteria provided. Collection method: clinical testing. Allele origin: germline. Not counted in ClinVar's aggregate classification.
Comment: This variant is classified as likely benign based on ACMG/AMP sequence variant interpretation guidelines (Richards et al. 2015 PMID: 25741868, with internal and published modifications).